The following is an entry in ClinVar:

ClinVar aggregate classification (germline): Uncertain significance (1 of 4 stars; one submission).

Submission:

Labcorp Genetics (formerly Invitae), Labcorp
Classification: Uncertain significance. Last evaluated: 2022-08-12. Review status: criteria provided, single submitter. Criteria: Invitae Variant Classification Sherloc (09022015). Collection method: clinical testing. Allele origin: germline.
Comment: This variant has not been reported in the literature in individuals affected with CLTC-related conditions. In summary, the available evidence is currently insufficient to determine the role of this variant in disease. Therefore, it has been classified as a Variant of Uncertain Significance. Algorithms developed to predict the effect of missense changes on protein structure and function are either unavailable or do not agree on the potential impact of this missense change (SIFT: "Deleterious"; PolyPhen-2: "Not Available"; Align-GVGD: "Class C0"). This variant is not present in population databases (gnomAD no frequency). This sequence change replaces phenylalanine, which is neutral and non-polar, with cysteine, which is neutral and slightly polar, at codon 1228 of the CLTC protein (p.Phe1228Cys).

NM_004859.4(CLTC):c.3671T>G (p.Phe1224Cys)

Gene: CLTC (clathrin heavy chain; plus strand). Cytogenetic location: 17q23.1.
Variant type: single nucleotide variant.
Coding change: c.3671T>G on transcript NM_004859.4 (MANE Select); coding-DNA position 3671, T replaced by G.
Protein change: p.Phe1224Cys; replaces phenylalanine 1224 with cysteine.
Molecular consequence: missense variant.
Genome position (GRCh38, 1-based): chr17:59,682,699, T>G. VCF-style: chr17-59682699-T-G. GRCh37 (hg19) VCF-style: chr17-57760060-T-G.
Other names: c.3683T>G, p.Phe1228Cys (NM_001288653.2); short protein forms F1224C, F1228C.
Identifiers: ClinVar variation 1716191 (VCV001716191.5), dbSNP rs2509153517, ClinGen allele CA400418366.